The following is an entry in ClinVar:

NM_001329943.3(KIAA0586):c.1172C>G (p.Ser391Cys)

Gene: KIAA0586 (KIAA0586; plus strand). Cytogenetic location: 14q23.1.
Variant type: single nucleotide variant.
Coding change: c.1172C>G on transcript NM_001329943.3 (MANE Select); coding-DNA position 1172, C replaced by G.
Protein change: p.Ser391Cys; replaces serine 391 with cysteine.
Molecular consequence: missense variant.
Genome position (GRCh38, 1-based): chr14:58,453,392, C>G. VCF-style: chr14-58453392-C-G. GRCh37 (hg19) VCF-style: chr14-58920110-C-G.
Other names: c.1331C>G, p.Ser444Cys (NM_001244189.2); c.1127C>G, p.Ser376Cys (NM_001244190.2); c.917C>G, p.Ser306Cys (NM_001244191.2, NM_001329945.2, NM_001364700.1 and 1 more transcripts); c.1040C>G, p.Ser347Cys (NM_001244192.2); c.752C>G, p.Ser251Cys (NM_001244193.2); c.1172C>G, p.Ser391Cys (NM_001329944.2, NM_001329946.2, NM_001329947.2 and 1 more transcripts); short protein forms S251C, S391C, S444C, S306C, S347C, S376C.
Identifiers: ClinVar variation 1506672 (VCV001506672.7), dbSNP rs2039563292, ClinGen allele CA389866747.

ClinVar aggregate classification (germline): Uncertain significance (1 of 4 stars; one submission).

Conditions:
Joubert syndrome 23 (JBTS23). Identifiers: Orphanet 475, MedGen C4084822, MONDO:0014664, OMIM 616490.
Short-rib thoracic dysplasia 14 with polydactyly (SRTD14). Identifiers: Orphanet 397715, MedGen C4225286, MONDO:0014688, OMIM 616546.

Submission:

Labcorp Genetics (formerly Invitae), Labcorp
Classification: Uncertain significance for Joubert syndrome 23; Short-rib thoracic dysplasia 14 with polydactyly. Last evaluated: 2022-05-25. Review status: criteria provided, single submitter. Criteria: Invitae Variant Classification Sherloc (09022015). Collection method: clinical testing. Allele origin: germline.
Comment: In summary, the available evidence is currently insufficient to determine the role of this variant in disease. Therefore, it has been classified as a Variant of Uncertain Significance. Algorithms developed to predict the effect of missense changes on protein structure and function output the following: SIFT: "Deleterious"; PolyPhen-2: "Benign"; Align-GVGD: "Class C0". The cysteine amino acid residue is found in multiple mammalian species, which suggests that this missense change does not adversely affect protein function. This variant has not been reported in the literature in individuals affected with KIAA0586-related conditions. This variant is not present in population databases (gnomAD no frequency). This sequence change replaces serine, which is neutral and polar, with cysteine, which is neutral and slightly polar, at codon 444 of the KIAA0586 protein (p.Ser444Cys).